The following is an entry in ClinVar:

ClinVar aggregate classification (germline): Conflicting classifications of pathogenicity. Review status: criteria provided, conflicting classifications (1 of 4 stars). 9 submissions from 9 submitters: Uncertain significance (3); Likely benign (3). 3 of the submissions do not count toward it. Last evaluated 2026-06-01.

Conditions:
Intellectual developmental disorder, autosomal recessive 65. Also called: Intellectual disability, autosomal recessive 65; MENTAL RETARDATION, AUTOSOMAL RECESSIVE 65. Identifiers: MedGen C4748219, MONDO:0020850, OMIM 618109.

Submissions (13):

CeGaT Center for Human Genetics Tuebingen
Classification: Likely benign. Last evaluated: 2026-06-01. Review status: criteria provided, single submitter. Criteria: CeGaT Center For Human Genetics Tuebingen Variant Classification Criteria Version 2. Collection method: clinical testing. Allele origin: germline. Affected: yes. Observed: 11 variant alleles.
Comment: KDM5B: BS2

Blueprint Genetics
Classification: Likely benign. Last evaluated: 2024-11-15. Review status: criteria provided, single submitter. Criteria: ACMG Guidelines, 2015. Collection method: clinical testing. Allele origin: germline.

ARUP Laboratories, Molecular Genetics and Genomics, ARUP Laboratories
Classification: Uncertain significance for Intellectual developmental disorder, autosomal recessive 65. Last evaluated: 2023-11-09. Review status: criteria provided, single submitter. Criteria: ARUP Molecular Germline Variant Investigation Process 2024. Collection method: clinical testing. Allele origin: germline.

Broad Center for Mendelian Genomics, Broad Institute of MIT and Harvard
Classification: Uncertain significance for Intellectual developmental disorder, autosomal recessive 65. Last evaluated: 2023-05-02. Review status: criteria provided, single submitter. Criteria: ACMG Guidelines, 2015. Collection method: curation. Allele origin: germline. Inheritance: Autosomal recessive inheritance.
Comment: Trio exome analysis revealed that this variant was in trans with a variant of uncertain significance (dbSNP ID: rs201924559). The c.712-4delT variant in KDM5B has not been previously reported in individuals with autosomal recessive intellectual developmental disorder 65, but has been identified in 0.5% (580/110296) of European (non-Finnish) chromosomes by the Genome Aggregation Database (gnomAD; dbSNP ID: rs753602982). This variant has been seen in the general population, in a heterozygous state, at greater rate than expected for disorder. This variant was detected in 1 control individual of the European (non-Finnish) and 1 control individual of the African/African American population by the Genome Aggregation Database (gnomAD; dbSNP ID: rs753602982), suggesting that this variant is not pathogenic for autosomal recessive intellectual developmental disorder 65. This variant has also been reported in ClinVar (Variation ID: 1174778) and has been interpreted as likely benign by the CeGaT Center for Human Genetics Tuebingen, Laboratory of Diagnostic Genome Analysis, Leiden University Medical Center (LUMC), and Diagnostic Laboratory, Department of Genetics, University Medical Center Groningen. RNAseq analysis performed on affected tissue (of the patient identified in our study) shows evidence of altered splicing of exon 6. The low number of alternate splicing reads is supportive of alternate splicing but is not definitive. This variant is located in the 3‚Äô splice region. Computational tools do suggest an impact to splicing. However, this information is not predictive enough to determine pathogenicity. In summary, the clinical significance of the c.712-4delT variant is uncertain. ACMG/AMP Criteria applied: BS1, BS2, PS3_Supporting (Richards 2015).

Fulgent Genetics
Classification: Likely benign for Intellectual developmental disorder, autosomal recessive 65. Last evaluated: 2021-08-02. Review status: criteria provided, single submitter. Criteria: ACMG Guidelines, 2015. Collection method: clinical testing. Allele origin: unknown.

Institute of Human Genetics, University Hospital of Duesseldorf
Classification: Uncertain significance for Intellectual developmental disorder, autosomal recessive 65. Review status: criteria provided, single submitter. Criteria: ACMG Guidelines, 2015. Collection method: not provided. Allele origin: germline. Inheritance: Autosomal recessive inheritance. Affected: yes.

Molecular Genetics Laboratory, BC Children's and BC Women's Hospitals
Classification: Uncertain significance for Intellectual developmental disorder, autosomal recessive 65. Last evaluated: 2025-11-12. Review status: no assertion criteria provided. Criteria: ACMG Guidelines, 2015. Collection method: clinical testing. Allele origin: maternal. Affected: yes. Not counted in ClinVar's aggregate classification.

Diagnostic Laboratory, Department of Genetics, University Medical Center Groningen
Classification: Likely benign. Review status: no assertion criteria provided. Collection method: clinical testing. Allele origin: germline. Affected: yes. Study: VKGL Data-share Consensus. Not counted in ClinVar's aggregate classification.

Dr. Peter K. Rogan Lab, Western University
No classification provided (evidence only). Condition: Uterine corpus endometrial carcinoma. Review status: no classification provided. Collection method: in vitro. Allele origin: not applicable. Functional consequence: retained intron. Not counted in ClinVar's aggregate classification.

Dr. Peter K. Rogan Lab, Western University
No classification provided (evidence only). Condition: Uterine corpus endometrial carcinoma. Review status: no classification provided. Collection method: in vitro. Allele origin: not applicable. Functional consequence: skipped exon. Not counted in ClinVar's aggregate classification.

Dr. Peter K. Rogan Lab, Western University
No classification provided (evidence only). Condition: Adrenocortical carcinoma, hereditary. Review status: no classification provided. Collection method: in vitro. Allele origin: not applicable. Functional consequence: retained intron. Not counted in ClinVar's aggregate classification.

Dr. Peter K. Rogan Lab, Western University
No classification provided (evidence only). Condition: Colon adenocarcinoma. Review status: no classification provided. Collection method: in vitro. Allele origin: not applicable. Functional consequence: skipped exon. Not counted in ClinVar's aggregate classification.

Laboratory of Diagnostic Genome Analysis, Leiden University Medical Center (LUMC)
Classification: Likely benign. Review status: no assertion criteria provided. Collection method: clinical testing. Allele origin: germline. Affected: yes. Study: VKGL Data-share Consensus. Not counted in ClinVar's aggregate classification.

NM_006618.5(KDM5B):c.712-4del

Gene: KDM5B (lysine demethylase 5B; minus strand). Cytogenetic location: 1q32.1.
Variant type: Deletion.
Coding change: c.712-4del on transcript NM_006618.5 (MANE Select); 4 bases into the intron before coding-DNA position 712, one base deleted (T; older notation c.712-4delT).
Molecular consequence: intron variant.
Genome position (GRCh38, 1-based): chr1:202,764,149, A deleted on the plus strand (T on the coding strand, the reverse complement: KDM5B is on the minus strand); the first of 7 consecutive A bases (chr1:202,764,149-202,764,155); deleting any one gives the same sequence. VCF-style (leftmost placement, unchanged base first): chr1-202764148-TA-T. GRCh37 (hg19) VCF-style: chr1-202733276-TA-T.
Other names: c.697-4del (NM_001399817.1); c.577-4del (NM_001347591.2); c.820-4del (NM_001314042.2); c.712-10del (NM_006618.5).
Identifiers: ClinVar variation 1174778 (VCV001174778.46), dbSNP rs558975598, ClinGen allele CA1334905.